The following is an entry in ClinVar:

NM_001142966.3(GREB1L):c.1654C>T (p.Pro552Ser)

Genes: GREB1L (GREB1 like retinoic acid receptor coactivator; plus strand), GREB1L-AS1 (GREB1L antisense RNA 1; minus strand). Cytogenetic location: 18q11.1.
Variant type: single nucleotide variant.
Coding change: c.1654C>T on transcript NM_001142966.3 (MANE Select); coding-DNA position 1654, C replaced by T.
Protein change: p.Pro552Ser; replaces proline 552 with serine.
Molecular consequence: missense variant.
Genome position (GRCh38, 1-based): chr18:21,449,770, C>T. VCF-style: chr18-21449770-C-T. GRCh37 (hg19) VCF-style: chr18-19029731-C-T.
Other names: c.1783C>T, p.Pro595Ser (NM_001410867.1); short protein forms P552S, P595S.
Identifiers: ClinVar variation 2416348 (VCV002416348.7), dbSNP rs1035683785, ClinGen allele CA296928115.

ClinVar aggregate classification (germline): Uncertain significance (1 of 4 stars; one submission).

Allele frequency attached by ClinVar (database versions not stated): gnomAD 0.00003; TOPMed 0.00003.
gnomAD v4.1: 69 of 1,550,608 alleles (0.0044%); highest among the groups gnomAD compares: Non-Finnish European, 0.0057%; no homozygotes.

Submission:

Labcorp Genetics (formerly Invitae), Labcorp
Classification: Uncertain significance. Last evaluated: 2026-01-05. Review status: criteria provided, single submitter. Criteria: Invitae Variant Classification Sherloc (09022015). Collection method: clinical testing. Allele origin: germline.
Comment: This sequence change replaces proline, which is neutral and non-polar, with serine, which is neutral and polar, at codon 552 of the GREB1L protein (p.Pro552Ser). This variant is present in population databases (no rsID available, gnomAD 0.01%). This variant has not been reported in the literature in individuals affected with GREB1L-related conditions. ClinVar contains an entry for this variant (Variation ID: 2416348). An algorithm developed to predict the effect of missense changes on protein structure and function (PolyPhen-2) suggests that this variant is likely to be disruptive. In summary, the available evidence is currently insufficient to determine the role of this variant in disease. Therefore, it has been classified as a Variant of Uncertain Significance.